The following is an entry in ClinVar:

ClinVar aggregate classification (germline): Uncertain significance. Review status: criteria provided, multiple submitters, no conflicts (2 of 4 stars). 2 submissions from 2 submitters: Uncertain significance (2). Last evaluated 2023-03-08.

Conditions:
Spastic paraplegia. Identifiers: MedGen C0037772, HP:0001258.
Inborn genetic diseases. Identifiers: MedGen C0950123, MeSH D030342.

Submissions (2):

Labcorp Genetics (formerly Invitae), Labcorp
Classification: Uncertain significance for Spastic paraplegia. Last evaluated: 2023-03-08. Review status: criteria provided, single submitter. Criteria: Invitae Variant Classification Sherloc (09022015). Collection method: clinical testing. Allele origin: germline.
Comment: In summary, the available evidence is currently insufficient to determine the role of this variant in disease. Therefore, it has been classified as a Variant of Uncertain Significance. Advanced modeling of protein sequence and biophysical properties (such as structural, functional, and spatial information, amino acid conservation, physicochemical variation, residue mobility, and thermodynamic stability) performed at Invitae indicates that this missense variant is not expected to disrupt KIF5A protein function. ClinVar contains an entry for this variant (Variation ID: 1467586). This variant has not been reported in the literature in individuals affected with KIF5A-related conditions. This variant is not present in population databases (gnomAD no frequency). This sequence change replaces alanine, which is neutral and non-polar, with glycine, which is neutral and non-polar, at codon 747 of the KIF5A protein (p.Ala747Gly).

Ambry Genetics
Classification: Uncertain significance for Inborn genetic diseases. Last evaluated: 2021-07-20. Review status: criteria provided, single submitter. Criteria: Ambry Variant Classification Scheme 2023. Collection method: clinical testing. Allele origin: germline.

NM_004984.4(KIF5A):c.2240C>G (p.Ala747Gly)

Gene: KIF5A (kinesin family member 5A; plus strand). Cytogenetic location: 12q13.3.
Variant type: single nucleotide variant.
Coding change: c.2240C>G on transcript NM_004984.4 (MANE Select); coding-DNA position 2240, C replaced by G.
Protein change: p.Ala747Gly; replaces alanine 747 with glycine.
Molecular consequence: missense variant.
Genome position (GRCh38, 1-based): chr12:57,576,802, C>G. VCF-style: chr12-57576802-C-G. GRCh37 (hg19) VCF-style: chr12-57970585-C-G.
Other names: c.2240C>G (NM_004984.2); c.1973C>G, p.Ala658Gly (NM_001354705.2); short protein forms A747G, A658G.
Identifiers: ClinVar variation 1467586 (VCV001467586.7), dbSNP rs749023785, ClinGen allele CA385511538.
Genomic context (GRCh38, chr12:57,576,802, plus strand): 5'-ACCTTCTGATGCTCTGTAGCCTAAATCAGAAGCTCCAGTTAGAGCTAGAGAAGCTTCAGG[C>G]TGACTACGAGAAGCTGAAGAGCGAAGAACACGAGAAGAGCACCAAGCTGCAGGAGCTGAC-3'
Protein context (NP_004975.2, residues 737-757): KLQLELEKLQ[Ala747Gly]DYEKLKSEEH